The following is an entry in ClinVar:

NM_017617.5(NOTCH1):c.2880C>A (p.Cys960Ter)

Gene: NOTCH1 (notch receptor 1; minus strand). Cytogenetic location: 9q34.3.
Variant type: single nucleotide variant.
Coding change: c.2880C>A on transcript NM_017617.5 (MANE Select); coding-DNA position 2880, C replaced by A.
Protein change: p.Cys960Ter; replaces cysteine 960 with a stop codon.
Molecular consequence: nonsense.
Genome position (GRCh38, 1-based): chr9:136,509,822, G>T on the plus strand (C>A on the coding strand, the complement: NOTCH1 is on the minus strand). VCF-style: chr9-136509822-G-T. GRCh37 (hg19) VCF-style: chr9-139404274-G-T.
Other names: short protein forms C960*.
Identifiers: ClinVar variation 2695701 (VCV002695701.3), dbSNP rs2133350738, ClinGen allele CA375553631.

ClinVar aggregate classification (germline): Pathogenic (1 of 4 stars; one submission).

Conditions:
Adams-Oliver syndrome 5 (AOS5). Identifiers: Orphanet 974, MedGen C4014970, MONDO:0014459, OMIM 616028.

Submission:

Labcorp Genetics (formerly Invitae), Labcorp
Classification: Pathogenic for Adams-Oliver syndrome 5. Last evaluated: 2023-11-14. Review status: criteria provided, single submitter. Criteria: Invitae Variant Classification Sherloc (09022015). Collection method: clinical testing. Allele origin: germline.
Comment: This sequence change creates a premature translational stop signal (p.Cys960*) in the NOTCH1 gene. It is expected to result in an absent or disrupted protein product. Loss-of-function variants in NOTCH1 are known to be pathogenic (PMID: 16025100, 21457232, 25132448, 25963545). This variant is not present in population databases (gnomAD no frequency). This variant has not been reported in the literature in individuals affected with NOTCH1-related conditions. For these reasons, this variant has been classified as Pathogenic.

Literature cited by the submitters: PubMed 16025100; PubMed 21457232; PubMed 25132448; PubMed 25963545.